The following is an entry in ClinVar:

NM_032447.5(FBN3):c.917G>A (p.Gly306Glu)

Gene: FBN3 (fibrillin 3; minus strand). Cytogenetic location: 19p13.2.
Variant type: single nucleotide variant.
Coding change: c.917G>A on transcript NM_032447.5 (MANE Select); coding-DNA position 917, G replaced by A.
Protein change: p.Gly306Glu; replaces glycine 306 with glutamic acid.
Molecular consequence: missense variant.
Genome position (GRCh38, 1-based): chr19:8,138,513, C>T on the plus strand (G>A on the coding strand, the complement: FBN3 is on the minus strand). VCF-style: chr19-8138513-C-T. GRCh37 (hg19) VCF-style: chr19-8203397-C-T.
Other names: c.917G>A, p.Gly306Glu (NM_001321431.2); short protein forms G306E.
Identifiers: ClinVar variation 2847085 (VCV002847085.3), dbSNP rs1006156277, ClinGen allele CA403715753.

ClinVar aggregate classification (germline): Uncertain significance (1 of 4 stars; one submission).

Submission:

Labcorp Genetics (formerly Invitae), Labcorp
Classification: Uncertain significance. Last evaluated: 2023-07-10. Review status: criteria provided, single submitter. Criteria: Invitae Variant Classification Sherloc (09022015). Collection method: clinical testing. Allele origin: germline.
Comment: This sequence change replaces glycine, which is neutral and non-polar, with glutamic acid, which is acidic and polar, at codon 306 of the FBN3 protein (p.Gly306Glu). This variant is not present in population databases (gnomAD no frequency). This variant has not been reported in the literature in individuals affected with FBN3-related conditions. Advanced modeling of protein sequence and biophysical properties (such as structural, functional, and spatial information, amino acid conservation, physicochemical variation, residue mobility, and thermodynamic stability) performed at Invitae indicates that this missense variant is not expected to disrupt FBN3 protein function. In summary, the available evidence is currently insufficient to determine the role of this variant in disease. Therefore, it has been classified as a Variant of Uncertain Significance.